The following is an entry in ClinVar:

ClinVar aggregate classification (germline): Uncertain significance. Review status: criteria provided, multiple submitters, no conflicts (2 of 4 stars). 4 submissions from 4 submitters: Uncertain significance (4). Last evaluated 2024-05-21.

Conditions:
Lowe syndrome (OCRL). Also called: LOWE OCULOCEREBRORENAL SYNDROME; PHOSPHATIDYLINOSITOL 4,5-BISPHOSPHATE 5-PHOSPHATASE DEFICIENCY; Oculocerebrorenal Syndrome. Identifiers: Orphanet 534, MedGen C0028860, MONDO:0010645, OMIM 309000.
Nephrolithiasis/nephrocalcinosis. Identifiers: MedGen CN580796.
Dent disease type 2. Identifiers: Orphanet 1652, Orphanet 93623, MedGen C1845167, MONDO:0010359, OMIM 300555.
OCRL-related disorder. Also called: OCRL-related condition.

gnomAD v4.1: 1 of 1,204,896 alleles (0.000083%); no homozygotes.

Submissions (4):

Fulgent Genetics
Classification: Uncertain significance for Dent disease type 2; Lowe syndrome. Last evaluated: 2024-05-21. Review status: criteria provided, single submitter. Criteria: ACMG Guidelines, 2015. Collection method: clinical testing. Allele origin: germline.

Ambry Genetics
Classification: Uncertain significance for Nephrolithiasis/nephrocalcinosis. Last evaluated: 2024-04-06. Review status: criteria provided, single submitter. Criteria: Ambry Variant Classification Scheme 2023. Collection method: clinical testing. Allele origin: germline.

Labcorp Genetics (formerly Invitae), Labcorp
Classification: Uncertain significance for Lowe syndrome. Last evaluated: 2024-03-27. Review status: criteria provided, single submitter. Criteria: Invitae Variant Classification Sherloc (09022015). Collection method: clinical testing. Allele origin: germline.
Comment: This sequence change replaces proline, which is neutral and non-polar, with arginine, which is basic and polar, at codon 698 of the OCRL protein (p.Pro698Arg). This variant is not present in population databases (gnomAD no frequency). This variant has not been reported in the literature in individuals affected with OCRL-related conditions. ClinVar contains an entry for this variant (Variation ID: 2630797). Advanced modeling of protein sequence and biophysical properties (such as structural, functional, and spatial information, amino acid conservation, physicochemical variation, residue mobility, and thermodynamic stability) performed at Invitae indicates that this missense variant is not expected to disrupt OCRL protein function with a negative predictive value of 80%. In summary, the available evidence is currently insufficient to determine the role of this variant in disease. Therefore, it has been classified as a Variant of Uncertain Significance.

PreventionGenetics, part of Exact Sciences
Classification: Uncertain significance for OCRL-related condition. Last evaluated: 2023-09-18. Review status: criteria provided, single submitter. Criteria: ACMG Guidelines, 2015. Collection method: clinical testing. Allele origin: germline.
Comment: The OCRL c.2093C>G variant is predicted to result in the amino acid substitution p.Pro698Arg. To our knowledge, this variant has not been reported in the literature or in a large population database, indicating this variant is rare. At this time, the clinical significance of this variant is uncertain due to the absence of conclusive functional and genetic evidence.

NM_000276.4(OCRL):c.2093C>G (p.Pro698Arg)

Gene: OCRL (OCRL inositol polyphosphate-5-phosphatase; plus strand). Cytogenetic location: Xq26.1.
Variant type: single nucleotide variant.
Coding change: c.2093C>G on transcript NM_000276.4 (MANE Select); coding-DNA position 2093, C replaced by G.
Protein change: p.Pro698Arg; replaces proline 698 with arginine.
Molecular consequence: missense variant.
Genome position (GRCh38, 1-based): chrX:129,576,530, C>G. VCF-style: chrX-129576530-C-G. GRCh37 (hg19) VCF-style: chrX-128710507-C-G.
Other names: c.2096C>G, p.Pro699Arg (NM_001318784.2); c.2093C>G, p.Pro698Arg (NM_001587.4); short protein forms P698R, P699R.
Identifiers: ClinVar variation 2630797 (VCV002630797.5), dbSNP rs2521922370, ClinGen allele CA414622576.